The following is an entry in ClinVar:

ClinVar aggregate classification (germline): Likely benign. Review status: criteria provided, single submitter (1 of 4 stars). 2 submissions from 2 submitters: Likely benign (1). 1 of the submissions does not count toward it. Last evaluated 2026-01-24.

Conditions:
NDUFS1-related disorder. Also called: NDUFS1-related condition.

Submissions (2):

Labcorp Genetics (formerly Invitae), Labcorp
Classification: Likely benign. Last evaluated: 2026-01-24. Review status: criteria provided, single submitter. Criteria: Invitae Variant Classification Sherloc (09022015). Collection method: clinical testing. Allele origin: germline.

PreventionGenetics, part of Exact Sciences
Classification: Likely benign for NDUFS1-related condition. Last evaluated: 2024-07-09. Review status: no assertion criteria provided. Collection method: clinical testing. Allele origin: germline. Not counted in ClinVar's aggregate classification.
Comment: This variant is classified as likely benign based on ACMG/AMP sequence variant interpretation guidelines (Richards et al. 2015 PMID: 25741868, with internal and published modifications).

NM_005006.7(NDUFS1):c.154-10T>C

Gene: NDUFS1 (NADH:ubiquinone oxidoreductase core subunit S1; minus strand). Cytogenetic location: 2q33.3.
Variant type: single nucleotide variant.
Coding change: c.154-10T>C on transcript NM_005006.7 (MANE Select); 10 bases into the intron before coding-DNA position 154, T replaced by C.
Molecular consequence: intron variant.
Genome position (GRCh38, 1-based): chr2:206,149,935, A>G on the plus strand (T>C on the coding strand, the complement: NDUFS1 is on the minus strand). VCF-style: chr2-206149935-A-G. GRCh37 (hg19) VCF-style: chr2-207014659-A-G.
Other names: c.6-2101T>C (NM_001199982.2); c.-18-10T>C (NM_001199983.2); c.154-839T>C (NM_001199981.2); c.196-10T>C (NM_001199984.2).
Identifiers: ClinVar variation 3349616 (VCV003349616.3).